The following is an entry in ClinVar:

NM_001351132.2(PEX5):c.1053G>A (p.Leu351=)

Gene: PEX5 (peroxisomal biogenesis factor 5; plus strand). Cytogenetic location: 12p13.31.
Variant type: single nucleotide variant.
Coding change: c.1053G>A on transcript NM_001351132.2 (MANE Select); coding-DNA position 1053, G replaced by A.
Protein change: p.Leu351=; no amino-acid change (leucine 351 retained).
Molecular consequence: synonymous variant.
Genome position (GRCh38, 1-based): chr12:7,207,745, G>A. VCF-style: chr12-7207745-G-A. GRCh37 (hg19) VCF-style: chr12-7360341-G-A.
Other names: p.Leu351=; c.1029G>A, p.Leu343= (NM_000319.5); c.1098G>A, p.Leu366= (NM_001131023.2); c.942G>A, p.Leu314= (NM_001131024.2, NM_001351124.3, NM_001351126.2 and 7 more transcripts); c.1053G>A, p.Leu351= (NM_001131025.2, NM_001131026.2, NM_001300789.3 and 4 more transcripts); c.987G>A, p.Leu329= (NM_001351135.3, NM_001351138.2); c.1044G>A, p.Leu348= (NM_001351136.2); c.918G>A, p.Leu306= (NM_001351139.2, NM_001351140.2, NM_001374649.2).
Identifiers: ClinVar variation 770225 (VCV000770225.16), dbSNP rs61740909, ClinGen allele CA6426349.

ClinVar aggregate classification (germline): Benign/Likely benign. Review status: criteria provided, multiple submitters, no conflicts (2 of 4 stars). 4 submissions from 4 submitters: Benign (1); Likely benign (3). Last evaluated 2026-02-02.

Conditions:
Peroxisome biogenesis disorder 2A (Zellweger) (PBD2A). Also called: Cerebrohepatorenal syndrome, variant types. Identifiers: Orphanet 912, MedGen C3550273, MONDO:0008954, OMIM 214110.
Peroxisome biogenesis disorder 2B (PBD2B). Identifiers: Orphanet 44, MedGen C3550234, MONDO:0008736, OMIM 202370.

Allele frequency attached by ClinVar (database versions not stated): gnomAD exomes 0.00038 and 0.00096; ExAC 0.00114; gnomAD 0.00276 and 0.00290; TOPMed 0.00319; ESP Exome Variant Server 0.00369; 1000 Genomes Project 30x 0.00422; 1000 Genomes Project 0.00459.
gnomAD v4.1: 1,010 of 1,614,118 alleles (0.063%); highest among the groups gnomAD compares: African/African-American, 0.88%; 2 homozygotes.

Submissions (4):

Labcorp Genetics (formerly Invitae), Labcorp
Classification: Benign for Peroxisome biogenesis disorder 2B. Last evaluated: 2026-02-02. Review status: criteria provided, single submitter. Criteria: Invitae Variant Classification Sherloc (09022015). Collection method: clinical testing. Allele origin: germline.

Mayo Clinic Laboratories, Mayo Clinic
Classification: Likely benign. Last evaluated: 2025-03-21. Review status: criteria provided, single submitter. Criteria: ACMG Guidelines, 2015. Collection method: clinical testing. Allele origin: germline. Observed: 2 variant alleles.
Comment: BS1, BP4, BP7

Blueprint Genetics
Classification: Likely benign. Last evaluated: 2024-11-26. Review status: criteria provided, single submitter. Criteria: ACMG Guidelines, 2015. Collection method: clinical testing. Allele origin: germline.

Illumina Laboratory Services, Illumina
Classification: Likely benign for Peroxisome biogenesis disorder 2A (Zellweger). Last evaluated: 2018-01-13. Review status: criteria provided, single submitter. Criteria: ICSL Variant Classification Criteria 13 December 2019. Collection method: clinical testing. Allele origin: germline.
Comment: This variant was observed in the ICSL laboratory as part of a predisposition screen in an ostensibly healthy population. It had not been previously curated by ICSL or reported in the Human Gene Mutation Database (HGMD: prior to June 1st, 2018), and was therefore a candidate for classification through an automated scoring system. Utilizing variant allele frequency, disease prevalence and penetrance estimates, and inheritance mode, an automated score was calculated to assess if this variant is too frequent to cause the disease. Based on the score and internal cut-off values, a variant classified as likely benign is not then subjected to further curation. The score for this variant resulted in a classification of likely benign for this disease.